The following is an entry in ClinVar:

ClinVar aggregate classification (germline): Likely benign (0 of 4 stars; one submission).

Conditions:
CDK10-related disorder. Also called: CDK10-related condition.

Allele frequency attached by ClinVar (database versions not stated): gnomAD 0.00001; gnomAD exomes 0.00001; TOPMed 0.00001.
gnomAD v4.1: 13 of 1,592,388 alleles (0.00082%); highest among the groups gnomAD compares: African/African-American, 0.0014%; no homozygotes.

Submission:

PreventionGenetics, part of Exact Sciences
Classification: Likely benign for CDK10-related condition. Last evaluated: 2020-03-18. Review status: no assertion criteria provided. Collection method: clinical testing. Allele origin: germline.
Comment: This variant is classified as likely benign based on ACMG/AMP sequence variant interpretation guidelines (Richards et al. 2015 PMID: 25741868, with internal and published modifications).

NM_052988.5(CDK10):c.474C>T (p.Phe158=)

Gene: CDK10 (cyclin dependent kinase 10; plus strand). Cytogenetic location: 16q24.3.
Variant type: single nucleotide variant.
Coding change: c.474C>T on transcript NM_052988.5 (MANE Select); coding-DNA position 474, C replaced by T.
Protein change: p.Phe158=; no amino-acid change (phenylalanine 158 retained).
Molecular consequence: synonymous variant. On other transcripts: non-coding transcript variant (2).
Genome position (GRCh38, 1-based): chr16:89,692,505, C>T. VCF-style: chr16-89692505-C-T. GRCh37 (hg19) VCF-style: chr16-89758913-C-T.
Other names: c.261C>T, p.Phe87= (NM_001098533.3, NM_001160367.2, NM_052987.4).
Identifiers: ClinVar variation 3047147 (VCV003047147.2), dbSNP rs1233106178, ClinGen allele CA497178733.